The following is an entry in ClinVar:

NM_001166108.2(PALLD):c.1965-12831C>G

Gene: PALLD (palladin, cytoskeletal associated protein; plus strand). Cytogenetic location: 4q32.3.
Variant type: single nucleotide variant.
Coding change: c.1965-12831C>G on transcript NM_001166108.2 (MANE Select); 12831 bases into the intron before coding-DNA position 1965, C replaced by G.
Molecular consequence: intron variant. On other transcripts: missense variant (1).
Genome position (GRCh38, 1-based): chr4:168,878,091, C>G. VCF-style: chr4-168878091-C-G. GRCh37 (hg19) VCF-style: chr4-169799242-C-G.
Other names: c.200C>G, p.Pro67Arg (NM_001166110.2); c.1965-12831C>G (NM_016081.4); c.819-12831C>G (NM_001166109.2); c.-157-12831C>G (NM_001367570.1, NM_001367568.1, NM_001367567.1 and 1 more transcripts); short protein forms P67R.
Identifiers: ClinVar variation 4564142 (VCV004564142.1).

ClinVar aggregate classification (germline): Uncertain significance (1 of 4 stars; one submission).

gnomAD v4.1: 5 of 1,443,248 alleles (0.00035%); highest among the groups gnomAD compares: Admixed American, 0.0055%; no homozygotes.

Submission:

Ambry Genetics
Classification: Uncertain significance. Last evaluated: 2025-09-19. Review status: criteria provided, single submitter. Criteria: Ambry Variant Classification Scheme 2023. Collection method: clinical testing. Allele origin: germline.
Comment: The p.P67R variant (also known as c.200C>G), located in coding exon 1 of the PALLD gene, results from a C to G substitution at nucleotide position 200. The proline at codon 67 is replaced by arginine, an amino acid with dissimilar properties. This amino acid position is conserved. In addition, this alteration is predicted to be tolerated by in silico analysis. Based on the available evidence, the clinical significance of this variant remains unclear.